The following is an entry in ClinVar:

NM_001035.3(RYR2):c.12740C>T (p.Ala4247Val)

Genes: RYR2 (ryanodine receptor 2; plus strand), LOC126806068 (BRD4-independent group 4 enhancer GRCh37_chr1:237947411-237948610; plus strand). Cytogenetic location: 1q43.
Variant type: single nucleotide variant.
Coding change: c.12740C>T on transcript NM_001035.3 (MANE Select); coding-DNA position 12740, C replaced by T.
Protein change: p.Ala4247Val; replaces alanine 4247 with valine.
Molecular consequence: missense variant.
Genome position (GRCh38, 1-based): chr1:237,784,452, C>T. VCF-style: chr1-237784452-C-T. GRCh37 (hg19) VCF-style: chr1-237947752-C-T.
Other names: short protein forms A4247V.
Identifiers: ClinVar variation 3709083 (VCV003709083.2).

ClinVar aggregate classification (germline): Uncertain significance (1 of 4 stars; one submission).

Conditions:
Catecholaminergic polymorphic ventricular tachycardia 1. Also called: VENTRICULAR TACHYCARDIA, STRESS-INDUCED POLYMORPHIC 1; VENTRICULAR TACHYCARDIA, CATECHOLAMINERGIC POLYMORPHIC, 1, WITH OR WITHOUT ATRIAL DYSFUNCTION AND/OR DILATED CARDIOMYOPATHY; RYR2-Related Catecholaminergic Polymorphic Ventricular Tachycardia. Identifiers: Orphanet 3286, MedGen C1631597, MONDO:0011484, OMIM 604772.

gnomAD v4.1: 4 of 1,613,422 alleles (0.00025%); highest among the groups gnomAD compares: African/African-American, 0.0013%; no homozygotes.

Submission:

Labcorp Genetics (formerly Invitae), Labcorp
Classification: Uncertain significance for Catecholaminergic polymorphic ventricular tachycardia 1. Last evaluated: 2025-11-22. Review status: criteria provided, single submitter. Criteria: Invitae Variant Classification Sherloc (09022015). Collection method: clinical testing. Allele origin: germline.
Comment: This sequence change replaces alanine, which is neutral and non-polar, with valine, which is neutral and non-polar, at codon 4247 of the RYR2 protein (p.Ala4247Val). The frequency data for this variant in the population databases is considered unreliable, as metrics indicate poor data quality at this position in the gnomAD database. This missense change has been observed in individual(s) with clinical features of catecholaminergic polymorphic ventricular tachycardia (PMID: 29434162, 32152366). ClinVar contains an entry for this variant (Variation ID: 3709083). Invitae Evidence Modeling of protein sequence and biophysical properties (such as structural, functional, and spatial information, amino acid conservation, physicochemical variation, residue mobility, and thermodynamic stability) indicates that this missense variant is not expected to disrupt RYR2 protein function with a negative predictive value of 95%. In summary, the available evidence is currently insufficient to determine the role of this variant in disease. Therefore, it has been classified as a Variant of Uncertain Significance.

Literature cited by the submitters: PubMed 29434162; PubMed 32152366.